The following continues an entry in ClinVar:

NM_000179.3(MSH6):c.3259C>G (p.Pro1087Ala)

Gene: MSH6. ClinVar aggregate classification (germline): Conflicting classifications of pathogenicity. Uncertain significance (9); Likely benign (6).

Submissions 12 to 17 of 17:

Sema4
Classification: Uncertain significance for Hereditary cancer-predisposing syndrome. Last evaluated: 2021-10-20. Review status: criteria provided, single submitter. Criteria: Sema4 Curation Guidelines. Collection method: curation. Allele origin: germline.
Comment: The MSH6 c.3259C>G (p.P1087A) variant has been reported in heterozygosity in at least one individual with colorectal cancer and at least one individual with epithelial ovarian cancer (PMID: 23047549, 25559809). It was observed in 21/282844 chromosomes, including no homozygotes, across the different populations included in the Genome Aggregation Database (PMID: 32461654). The variant has been reported in ClinVar (Variation ID: 135841). Functional studies have not been performed, and in silico predictions of the variant's effect on protein function are inconclusive. The evidence is insufficient to meet ACMG/AMP criteria for classifying the variant as benign or pathogenic. Thus, the clinical significance of this variant is currently uncertain.

CeGaT Center for Human Genetics Tuebingen
Classification: Likely benign. Last evaluated: 2021-03-01. Review status: criteria provided, single submitter. Criteria: CeGaT Center For Human Genetics Tuebingen Variant Classification Criteria Version 2. Collection method: clinical testing. Allele origin: germline. Affected: yes. Observed: 1 variant allele.

Genetic Services Laboratory, University of Chicago
Classification: Uncertain significance. Last evaluated: 2019-11-22. Review status: criteria provided, single submitter. Criteria: ACMG Guidelines, 2015. Collection method: clinical testing. Allele origin: germline. Affected: no.

Ambry Genetics
Classification: Likely benign for Hereditary cancer-predisposing syndrome. Last evaluated: 2018-08-15. Review status: criteria provided, single submitter. Criteria: Ambry Variant Classification Scheme 2023. Collection method: clinical testing. Allele origin: germline.

Counsyl
Classification: Uncertain significance for Lynch syndrome 5. Last evaluated: 2015-12-01. Review status: no assertion criteria provided. Collection method: clinical testing. Allele origin: unknown. Not counted in ClinVar's aggregate classification.

Department of Pathology and Laboratory Medicine, Sinai Health System
Classification: Uncertain significance for Malignant tumor of breast. Review status: no assertion criteria provided. Collection method: clinical testing. Allele origin: unknown. Affected: yes. Study: The Canadian Open Genetics Repository (COGR). Not counted in ClinVar's aggregate classification.
Comment: The MSH6 p.Pro1087Ala variant was identified in 3 of 11,990 proband chromosomes (frequency: 0.0003) from individuals with breast, ovarian, or colorectal cancer (Yehia 2018, Chubb 2015, Pal 2012). The variant was identified in dbSNP (rs63750998) as â€šÃ„Ãºwith uncertain significance, other alleleâ€šÃ„Ã¹ and ClinVar (interpreted as "uncertain significance" by Invitae and 3 others and "likely benign" by Color and 1 other). The variant was not identified in UMD-LSDB. The variant was identified in control databases in 22 of 277,194 chromosomes at a frequency of 0.00008 (Genome Aggregation Database Feb 27, 2017). The variant was observed in the following populations: African in 4 of 24,038 chromosomes (freq: 0.0002), Latino in 2 of 34,402 chromosomes (freq: 0.00006), European in 12 of 126,702 chromosomes (freq: 0.0001), East Asian in 2 of 18,864 chromosomes (freq: 0.0001), and South Asian in 2 of 30,782 chromosomes (freq: 0.00007). The variant was not observed in the Other, Ashkenazi Jewish and Finnish populations. The p.Pro1087 residue is conserved in mammals and computational analyses (PolyPhen-2, SIFT, AlignGVGD, BLOSUM, MutationTaster) provide inconsistent predictions regarding the impact to the protein; this information is not very predictive of pathogenicity. The variant occurs outside of the splicing consensus sequence and in silico or computational prediction software programs (SpliceSiteFinder, MaxEntScan, NNSPLICE, GeneSplicer) do not predict a difference in splicing. In summary, based on the above information the clinical significance of this variant cannot be determined with certainty at this time. This variant is classified as a variant of uncertain significance.

Literature cited by the submitters: PubMed 23047549 (cited by 4 submitters); PubMed 25559809 (cited by 6 submitters); PubMed 26689913 (cited by Women's Health and Genetics/Laboratory Corporation of America, LabCorp and Quest Diagnostics Nichols Institute San Juan Capistrano); PubMed 29684080 (cited by 3 submitters); PubMed 30122538 (cited by Women's Health and Genetics/Laboratory Corporation of America, LabCorp and Quest Diagnostics Nichols Institute San Juan Capistrano); PubMed 31391288 (cited by Women's Health and Genetics/Laboratory Corporation of America, LabCorp and Quest Diagnostics Nichols Institute San Juan Capistrano); PubMed 32980694 (cited by Women's Health and Genetics/Laboratory Corporation of America, LabCorp and Quest Diagnostics Nichols Institute San Juan Capistrano); PubMed 33471991 (cited by 3 submitters); PubMed 40405108 (cited by Women's Health and Genetics/Laboratory Corporation of America, LabCorp); PubMed 40813536 (cited by Women's Health and Genetics/Laboratory Corporation of America, LabCorp); PubMed 32885271 (cited by Color Diagnostics, LLC DBA Color Health and Quest Diagnostics Nichols Institute San Juan Capistrano); PubMed 34326862 (cited by Color Diagnostics, LLC DBA Color Health and Quest Diagnostics Nichols Institute San Juan Capistrano); PubMed 35449176 (cited by Color Diagnostics, LLC DBA Color Health and Quest Diagnostics Nichols Institute San Juan Capistrano); PubMed 27363726 (cited by Myriad Genetics, Inc.); PubMed 32832836 (cited by Quest Diagnostics Nichols Institute San Juan Capistrano); PubMed 36243179 (cited by Quest Diagnostics Nichols Institute San Juan Capistrano); PubMed 25637381 (cited by Ambry Genetics).